The following is an entry in ClinVar:

NM_000257.4(MYH7):c.4605C>T (p.Ala1535=)

Genes: MHRT (myosin heavy chain associated RNA transcript; plus strand), MYH7 (myosin heavy chain 7; minus strand). Cytogenetic location: 14q11.2.
Variant type: single nucleotide variant.
Coding change: c.4605C>T on transcript NM_000257.4 (MANE Select); coding-DNA position 4605, C replaced by T.
Protein change: p.Ala1535=; no amino-acid change (alanine 1535 retained).
Molecular consequence: synonymous variant.
Genome position (GRCh38, 1-based): chr14:23,416,907, G>A on the plus strand (C>T on the coding strand, the complement: MYH7 is on the minus strand). VCF-style: chr14-23416907-G-A. GRCh37 (hg19) VCF-style: chr14-23886116-G-A.
Identifiers: ClinVar variation 454378 (VCV000454378.15), dbSNP rs746261895, ClinGen allele CA043059.

ClinVar aggregate classification (germline): Likely benign. Review status: criteria provided, multiple submitters, no conflicts (2 of 4 stars). 4 submissions from 4 submitters: Likely benign (4). Last evaluated 2026-01-05.

Conditions:
Cardiovascular phenotype. Identifiers: MedGen CN230736.
Hypertrophic cardiomyopathy. Also called: HYPERTROPHIC MYOCARDIOPATHY. Identifiers: Orphanet 217569, MedGen C0007194, MeSH D002312, MONDO:0005045, HP:0001639.
Cardiomyopathy (CMYO). Also called: Cardiomyopathies. Identifiers: Orphanet 167848, MedGen C0878544, MONDO:0004994, HP:0001638. Inheritance: Various modes of inheritance.

Allele frequency attached by ClinVar (database versions not stated): gnomAD exomes 0.00001 and 0.00004; ExAC 0.00002; gnomAD 0.00003 and 0.00004; TOPMed 0.00004.
gnomAD v4.1: 23 of 1,614,044 alleles (0.0014%); highest among the groups gnomAD compares: East Asian, 0.0022%; no homozygotes.

Submissions (4):

Labcorp Genetics (formerly Invitae), Labcorp
Classification: Likely benign for Hypertrophic cardiomyopathy. Last evaluated: 2026-01-05. Review status: criteria provided, single submitter. Criteria: Invitae Variant Classification Sherloc (09022015). Collection method: clinical testing. Allele origin: germline.

All of Us Research Program, National Institutes of Health
Classification: Likely benign for Cardiomyopathy. Last evaluated: 2023-10-27. Review status: criteria provided, single submitter. Criteria: ACMG Guidelines, 2015. Collection method: clinical testing. Allele origin: germline. Inheritance: Autosomal dominant inheritance. Observed: 4 variant alleles, 4 heterozygotes.
Comment: This study involves interpretation of variants in research participants for the purpose of population health screening. Participant phenotype was not available at the time of variant classification. Additional details can be found in publication PMID: 35346344, PMCID: PMC8962531

Ambry Genetics
Classification: Likely benign for Cardiovascular phenotype. Last evaluated: 2022-10-09. Review status: criteria provided, single submitter. Criteria: Ambry Variant Classification Scheme 2023. Collection method: clinical testing. Allele origin: germline.

Color Diagnostics, LLC DBA Color Health
Classification: Likely benign for Cardiomyopathy. Last evaluated: 2018-09-29. Review status: criteria provided, single submitter. Criteria: ACMG Guidelines, 2015. Collection method: clinical testing. Allele origin: germline.